The following is an entry in ClinVar:

NM_001999.4(FBN2):c.8153T>A (p.Leu2718His)

Gene: FBN2 (fibrillin 2; minus strand). Cytogenetic location: 5q23.3.
Variant type: single nucleotide variant.
Coding change: c.8153T>A on transcript NM_001999.4 (MANE Select); coding-DNA position 8153, T replaced by A.
Protein change: p.Leu2718His; replaces leucine 2718 with histidine.
Molecular consequence: missense variant.
Genome position (GRCh38, 1-based): chr5:128,263,464, A>T on the plus strand (T>A on the coding strand, the complement: FBN2 is on the minus strand). VCF-style: chr5-128263464-A-T. GRCh37 (hg19) VCF-style: chr5-127599156-A-T.
Other names: short protein forms L2718H.
Identifiers: ClinVar variation 4841632 (VCV004841632.1).

ClinVar aggregate classification (germline): Uncertain significance (1 of 4 stars; one submission).

Conditions:
Familial thoracic aortic aneurysm and aortic dissection (TAAD). Also called: Thoracic aortic aneurysms and dissections. Identifiers: Orphanet 91387, MedGen C4707243, MONDO:0019625.

Submission:

Ambry Genetics
Classification: Uncertain significance for Familial thoracic aortic aneurysm and aortic dissection. Last evaluated: 2025-12-30. Review status: criteria provided, single submitter. Criteria: Ambry Variant Classification Scheme 2023. Collection method: clinical testing. Allele origin: germline.
Comment: The p.L2718H variant (also known as c.8153T>A), located in coding exon 63 of the FBN2 gene, results from a T to A substitution at nucleotide position 8153. The leucine at codon 2718 is replaced by histidine, an amino acid with similar properties. This amino acid position is conserved. In addition, this alteration is predicted to be deleterious by in silico analysis. Based on the available evidence, the clinical significance of this variant remains unclear.